The following is an entry in ClinVar:

ClinVar aggregate classification (germline): Uncertain significance (1 of 4 stars; one submission).

Conditions:
Benign neonatal seizures. Also called: Benign familial neonatal epilepsy; Convulsions benign familial neonatal dominant form; Autosomal dominant form of benign neonatal seizures; Benign neonatal familial convulsions; Benign familial neonatal seizures. Identifiers: MONDO:0016027, Orphanet 1949, MedGen C0220669.

Allele frequency attached by ClinVar (database versions not stated): gnomAD exomes below 0.00001.
gnomAD v4.1: 1 of 1,613,960 alleles (0.000062%); highest among the groups gnomAD compares: Non-Finnish European, 0.000085%; no homozygotes.

Submission:

Labcorp Genetics (formerly Invitae), Labcorp
Classification: Uncertain significance for Benign neonatal seizures. Last evaluated: 2019-05-29. Review status: criteria provided, single submitter. Criteria: Invitae Variant Classification Sherloc (09022015). Collection method: clinical testing. Allele origin: germline.
Comment: This variant is not present in population databases (ExAC no frequency). This variant has not been reported in the literature in individuals with KCNQ3-related conditions. Algorithms developed to predict the effect of missense changes on protein structure and function are either unavailable or do not agree on the potential impact of this missense change (SIFT: "Tolerated"; PolyPhen-2: "Possibly Damaging"; Align-GVGD: "Class C0"). In summary, the available evidence is currently insufficient to determine the role of this variant in disease. Therefore, it has been classified as a Variant of Uncertain Significance. This sequence change replaces isoleucine with valine at codon 164 of the KCNQ3 protein (p.Ile164Val). The isoleucine residue is moderately conserved and there is a small physicochemical difference between isoleucine and valine.

NM_004519.4(KCNQ3):c.490A>G (p.Ile164Val)

Gene: KCNQ3 (potassium voltage-gated channel subfamily Q member 3; minus strand). Cytogenetic location: 8q24.22.
Variant type: single nucleotide variant.
Coding change: c.490A>G on transcript NM_004519.4 (MANE Select); coding-DNA position 490, A replaced by G.
Protein change: p.Ile164Val; replaces isoleucine 164 with valine.
Molecular consequence: missense variant.
Genome position (GRCh38, 1-based): chr8:132,184,355, T>C on the plus strand (A>G on the coding strand, the complement: KCNQ3 is on the minus strand). VCF-style: chr8-132184355-T-C. GRCh37 (hg19) VCF-style: chr8-133196602-T-C.
Other names: c.130A>G, p.Ile44Val (NM_001204824.2); short protein forms I164V, I44V.
Identifiers: ClinVar variation 839067 (VCV000839067.10), dbSNP rs1826890238, ClinGen allele CA372291281.